The following is an entry in ClinVar:

ClinVar aggregate classification (germline): Benign/Likely benign. Review status: criteria provided, multiple submitters, no conflicts (2 of 4 stars). 8 submissions from 8 submitters: Benign (3); Likely benign (5). Last evaluated 2026-04-01.

Conditions:
Nicolaides-Baraitser syndrome (NCBRS). Also called: Intellectual disability-sparse hair-brachydactyly syndrome; SMARCA2-Related Nicolaides-Baraitser Syndrome. Identifiers: Orphanet 3051, MedGen C1303073, MONDO:0011053, OMIM 601358.
Inborn genetic diseases. Identifiers: MedGen C0950123, MeSH D030342.

Allele frequency attached by ClinVar (database versions not stated): ESP Exome Variant Server 0.00100; ExAC 0.00108; 1000 Genomes Project 0.00060; 1000 Genomes Project 30x 0.00062; gnomAD 0.00068; TOPMed 0.00082; gnomAD exomes 0.00087 and 0.00091.
gnomAD v4.1: 1,378 of 1,614,220 alleles (0.085%); highest among the groups gnomAD compares: Admixed American, 0.11%; no homozygotes.

Submissions (8):

CeGaT Center for Human Genetics Tuebingen
Classification: Likely benign. Last evaluated: 2026-04-01. Review status: criteria provided, single submitter. Criteria: CeGaT Center For Human Genetics Tuebingen Variant Classification Criteria Version 2. Collection method: clinical testing. Allele origin: germline. Affected: yes. Observed: 2 variant alleles.
Comment: SMARCA2: PP2, PP3, BS1

Labcorp Genetics (formerly Invitae), Labcorp
Classification: Benign. Last evaluated: 2025-12-21. Review status: criteria provided, single submitter. Criteria: Invitae Variant Classification Sherloc (09022015). Collection method: clinical testing. Allele origin: germline.

ARUP Laboratories, Molecular Genetics and Genomics, ARUP Laboratories
Classification: Likely benign. Last evaluated: 2025-03-06. Review status: criteria provided, single submitter. Criteria: ARUP Molecular Germline Variant Investigation Process 2024. Collection method: clinical testing. Allele origin: germline.

Blueprint Genetics
Classification: Likely benign. Last evaluated: 2024-10-30. Review status: criteria provided, single submitter. Criteria: ACMG Guidelines, 2015. Collection method: clinical testing. Allele origin: germline.

GeneDx
Classification: Benign. Last evaluated: 2019-10-10. Review status: criteria provided, single submitter. Criteria: GeneDx Variant Classification Process June 2021. Collection method: clinical testing. Allele origin: germline. Affected: yes.
Comment: This variant is associated with the following publications: (PMID: 25169753)

Illumina Laboratory Services, Illumina
Classification: Benign for Nicolaides-Baraitser syndrome. Last evaluated: 2018-01-12. Review status: criteria provided, single submitter. Criteria: ICSL Variant Classification Criteria 13 December 2019. Collection method: clinical testing. Allele origin: germline.
Comment: This variant was observed in the ICSL laboratory as part of a predisposition screen in an ostensibly healthy population. It had not been previously curated by ICSL or reported in the Human Gene Mutation Database (HGMD: prior to June 1st, 2018), and was therefore a candidate for classification through an automated scoring system. Utilizing variant allele frequency, disease prevalence and penetrance estimates, and inheritance mode, an automated score was calculated to assess if this variant is too frequent to cause the disease. Based on the score and internal cut-off values, a variant classified as benign is not then subjected to further curation. The score for this variant resulted in a classification of benign for this disease.

Ambry Genetics
Classification: Likely benign for Inborn genetic diseases. Last evaluated: 2017-10-02. Review status: criteria provided, single submitter. Criteria: Ambry Variant Classification Scheme 2023. Collection method: clinical testing. Allele origin: germline.

Breakthrough Genomics
Classification: Likely benign. Review status: criteria provided, single submitter. Criteria: ACMG Guidelines, 2015. Collection method: not provided. Allele origin: germline. Inheritance: Autosomal dominant inheritance. Affected: yes.

NM_003070.5(SMARCA2):c.4699G>C (p.Val1567Leu)

Gene: SMARCA2 (SWI/SNF related BAF chromatin remodeling complex subunit ATPase 2; plus strand). Cytogenetic location: 9p24.3.
Variant type: single nucleotide variant.
Coding change: c.4699G>C on transcript NM_003070.5 (MANE Select); coding-DNA position 4699, G replaced by C.
Protein change: p.Val1567Leu; replaces valine 1567 with leucine.
Molecular consequence: missense variant.
Genome position (GRCh38, 1-based): chr9:2,191,370, G>C. VCF-style: chr9-2191370-G-C. GRCh37 (hg19) VCF-style: chr9-2191370-G-C.
Other names: c.4699G>C, p.Val1567Leu (NM_001289396.2); c.4471G>C, p.Val1491Leu (NM_001289397.2); c.673G>C, p.Val225Leu (NM_001289398.2); c.757G>C, p.Val253Leu (NM_001289399.2); c.763G>C, p.Val255Leu (NM_001289400.2); c.4645G>C, p.Val1549Leu (NM_139045.4); short protein forms V1567L, V253L, V1491L, V1549L, V255L, V225L.
Identifiers: ClinVar variation 366322 (VCV000366322.44), dbSNP rs144110632, ClinGen allele CA4964286.